The following is an entry in ClinVar:

Conditions:
Breast-ovarian cancer, familial, susceptibility to, 1 (BROVCA1). Also called: BRCA1 Hereditary Breast and Ovarian Cancer; OVARIAN CANCER, SUSCEPTIBILITY TO. Identifiers: Orphanet 145, MedGen C2676676, MONDO:0011450, OMIM 604370. Disease mechanism: loss of function.

Submission:

Brotman Baty Institute, University of Washington
No classification provided (evidence only). Condition: Breast-ovarian cancer, familial 1. Review status: no classification provided. Collection method: in vitro. Allele origin: not applicable. Functional consequence: functionally_normal.
ClinVar note: "not provided" was previously submitted as the classification for the variant. However, the classification appeared to be based only on an observation of functional data so it was converted to no classification on 2025-07-30.

NM_007294.4(BRCA1):c.5217T>C (p.Asp1739=)

Gene: BRCA1 (BRCA1 DNA repair associated; minus strand). Cytogenetic location: 17q21.31.
Variant type: single nucleotide variant.
Coding change: c.5217T>C on transcript NM_007294.4 (MANE Select); coding-DNA position 5217, T replaced by C.
Protein change: p.Asp1739=; no amino-acid change (aspartic acid 1739 retained).
Molecular consequence: synonymous variant.
Genome position (GRCh38, 1-based): chr17:43,057,112, A>G on the plus strand (T>C on the coding strand, the complement: BRCA1 is on the minus strand). VCF-style: chr17-43057112-A-G. GRCh37 (hg19) VCF-style: chr17-41209129-A-G.
Other names: c.5211T>C, p.Asp1737= (NM_001407633.1, NM_001407634.1, NM_001407635.1 and 14 more transcripts); c.5208T>C, p.Asp1736= (NM_001407644.1, NM_001407645.1); c.5205T>C, p.Asp1735= (NM_001407646.1); c.5202T>C, p.Asp1734= (NM_001407647.1); c.5160T>C, p.Asp1720= (NM_001407648.1); c.5157T>C, p.Asp1719= (NM_001407649.1); c.5139T>C, p.Asp1713= (NM_001407652.1, NM_001407653.1, NM_001407654.1 and 1 more transcripts); c.5136T>C, p.Asp1712= (NM_001407656.1, NM_001407657.1, NM_001407658.1); and 72 more.
Identifiers: ClinVar variation 867856 (VCV000867856.3), dbSNP rs80357340, ClinGen allele CA500144793.